The following is an entry in ClinVar:

NM_001378457.1(DMXL2):c.1105+6G>T

Gene: DMXL2 (Dmx like 2; minus strand). Cytogenetic location: 15q21.2.
Variant type: single nucleotide variant.
Coding change: c.1105+6G>T on transcript NM_001378457.1 (MANE Select); 6 bases into the intron after coding-DNA position 1105, G replaced by T.
Molecular consequence: intron variant.
Genome position (GRCh38, 1-based): chr15:51,542,327, C>A on the plus strand (G>T on the coding strand, the complement: DMXL2 is on the minus strand). VCF-style: chr15-51542327-C-A. GRCh37 (hg19) VCF-style: chr15-51834524-C-A.
Other names: c.1105+6G>T (NM_001378460.1, NM_001174117.3, NM_015263.5 and 7 more transcripts).
Identifiers: ClinVar variation 1986493 (VCV001986493.5), dbSNP rs776196335, ClinGen allele CA270611842.

ClinVar aggregate classification (germline): Conflicting classifications of pathogenicity. Review status: criteria provided, conflicting classifications (1 of 4 stars). 2 submissions from 2 submitters: Uncertain significance (1); Likely benign (1). Last evaluated 2024-11-11.

Allele frequency attached by ClinVar (database versions not stated): gnomAD exomes below 0.00001.
gnomAD v4.1: 2 of 1,610,816 alleles (0.00012%); highest among the groups gnomAD compares: Non-Finnish European, 0.00017%; no homozygotes.

Submissions (2):

Blueprint Genetics
Classification: Likely benign. Last evaluated: 2024-11-11. Review status: criteria provided, single submitter. Criteria: ACMG Guidelines, 2015. Collection method: clinical testing. Allele origin: germline.

Labcorp Genetics (formerly Invitae), Labcorp
Classification: Uncertain significance. Last evaluated: 2022-06-07. Review status: criteria provided, single submitter. Criteria: Invitae Variant Classification Sherloc (09022015). Collection method: clinical testing. Allele origin: germline.
Comment: Variants that disrupt the consensus splice site are a relatively common cause of aberrant splicing (PMID: 17576681, 9536098). Algorithms developed to predict the effect of sequence changes on RNA splicing suggest that this variant is not likely to affect RNA splicing. This sequence change falls in intron 9 of the DMXL2 gene. It does not directly change the encoded amino acid sequence of the DMXL2 protein. It affects a nucleotide within the consensus splice site. This variant is not present in population databases (gnomAD no frequency). This variant has not been reported in the literature in individuals affected with DMXL2-related conditions. In summary, the available evidence is currently insufficient to determine the role of this variant in disease. Therefore, it has been classified as a Variant of Uncertain Significance.

Literature cited by the submitters: PubMed 17576681 (cited by Labcorp Genetics (formerly Invitae), Labcorp); PubMed 9536098 (cited by Labcorp Genetics (formerly Invitae), Labcorp).